The following is an entry in ClinVar:

NM_005359.6(SMAD4):c.205A>G (p.Ser69Gly)

Gene: SMAD4 (SMAD family member 4; plus strand). Cytogenetic location: 18q21.2.
Variant type: single nucleotide variant.
Coding change: c.205A>G on transcript NM_005359.6 (MANE Select); coding-DNA position 205, A replaced by G.
Protein change: p.Ser69Gly; replaces serine 69 with glycine.
Molecular consequence: missense variant.
Genome position (GRCh38, 1-based): chr18:51,047,251, A>G. VCF-style: chr18-51047251-A-G. GRCh37 (hg19) VCF-style: chr18-48573621-A-G.
Other names: short protein forms S69G.
Identifiers: ClinVar variation 1463075 (VCV001463075.10), dbSNP rs2144401674, ClinGen allele CA402458012.

ClinVar aggregate classification (germline): Uncertain significance. Review status: criteria provided, multiple submitters, no conflicts (2 of 4 stars). 2 submissions from 2 submitters: Uncertain significance (2). Last evaluated 2022-05-26.

Conditions:
Hereditary cancer-predisposing syndrome. Also called: Neoplastic Syndromes, Hereditary; Hereditary Cancer Syndrome; Tumor predisposition; Hereditary neoplastic syndrome. Identifiers: Orphanet 140162, MedGen C0027672, MeSH D009386, MONDO:0015356.
Familial thoracic aortic aneurysm and aortic dissection (TAAD). Also called: Thoracic aortic aneurysms and dissections. Identifiers: Orphanet 91387, MedGen C4707243, MONDO:0019625.
Juvenile polyposis syndrome (JPS). Identifiers: Orphanet 2929, MedGen C0345893, MONDO:0017380, OMIM 174900.

Submissions (2):

Ambry Genetics
Classification: Uncertain significance for Hereditary cancer-predisposing syndrome; Familial thoracic aortic aneurysm and aortic dissection. Last evaluated: 2022-05-26. Review status: criteria provided, single submitter. Criteria: Ambry Variant Classification Scheme 2023. Collection method: clinical testing. Allele origin: germline.
Comment: The p.S69G variant (also known as c.205A>G), located in coding exon 1 of the SMAD4 gene, results from an A to G substitution at nucleotide position 205. The serine at codon 69 is replaced by glycine, an amino acid with similar properties. This amino acid position is highly conserved in available vertebrate species. In addition, the in silico prediction for this alteration is inconclusive. Since supporting evidence is limited at this time, the clinical significance of this alteration remains unclear.

Labcorp Genetics (formerly Invitae), Labcorp
Classification: Uncertain significance for Juvenile polyposis syndrome. Last evaluated: 2021-01-21. Review status: criteria provided, single submitter. Criteria: Invitae Variant Classification Sherloc (09022015). Collection method: clinical testing. Allele origin: germline.
Comment: This sequence change replaces serine with glycine at codon 69 of the SMAD4 protein (p.Ser69Gly). The serine residue is highly conserved and there is a small physicochemical difference between serine and glycine. This variant is not present in population databases (ExAC no frequency). This variant has not been reported in the literature in individuals with SMAD4-related conditions. Algorithms developed to predict the effect of missense changes on protein structure and function are either unavailable or do not agree on the potential impact of this missense change (SIFT: "Deleterious"; PolyPhen-2: "Probably Damaging"; Align-GVGD: "Class C0"). Algorithms developed to predict the effect of sequence changes on RNA splicing suggest that this variant may create or strengthen a splice site, but this prediction has not been confirmed by published transcriptional studies. In summary, the available evidence is currently insufficient to determine the role of this variant in disease. Therefore, it has been classified as a Variant of Uncertain Significance.